The following is an entry in ClinVar:

ClinVar aggregate classification (germline): Uncertain significance (1 of 4 stars; one submission).

Submission:

Labcorp Genetics (formerly Invitae), Labcorp
Classification: Uncertain significance. Last evaluated: 2024-10-03. Review status: criteria provided, single submitter. Criteria: Invitae Variant Classification Sherloc (09022015). Collection method: clinical testing. Allele origin: germline.
Comment: This sequence change replaces alanine, which is neutral and non-polar, with glycine, which is neutral and non-polar, at codon 302 of the USP9X protein (p.Ala302Gly). This variant is not present in population databases (gnomAD no frequency). This variant has not been reported in the literature in individuals affected with USP9X-related conditions. An algorithm developed to predict the effect of missense changes on protein structure and function (PolyPhen-2) suggests that this variant is likely to be tolerated. In summary, the available evidence is currently insufficient to determine the role of this variant in disease. Therefore, it has been classified as a Variant of Uncertain Significance.

NM_001039591.3(USP9X):c.905C>G (p.Ala302Gly)

Gene: USP9X (ubiquitin specific peptidase 9 X-linked; plus strand). Cytogenetic location: Xp11.4.
Variant type: single nucleotide variant.
Coding change: c.905C>G on transcript NM_001039591.3 (MANE Select); coding-DNA position 905, C replaced by G.
Protein change: p.Ala302Gly; replaces alanine 302 with glycine.
Molecular consequence: missense variant.
Genome position (GRCh38, 1-based): chrX:41,141,100, C>G. VCF-style: chrX-41141100-C-G. GRCh37 (hg19) VCF-style: chrX-41000353-C-G.
Other names: c.905C>G, p.Ala302Gly (NM_001039590.3, NM_001410748.1, NM_001410749.1); short protein forms A302G.
Identifiers: ClinVar variation 3661700 (VCV003661700.2).